The following is an entry in ClinVar:

NM_201384.3(PLEC):c.10010C>T (p.Thr3337Met)

Gene: PLEC (plectin; minus strand). Cytogenetic location: 8q24.3.
Variant type: single nucleotide variant.
Coding change: c.10010C>T on transcript NM_201384.3 (MANE Select); coding-DNA position 10010, C replaced by T.
Protein change: p.Thr3337Met; replaces threonine 3337 with methionine.
Molecular consequence: missense variant.
Genome position (GRCh38, 1-based): chr8:143,919,811, G>A on the plus strand (C>T on the coding strand, the complement: PLEC is on the minus strand). VCF-style: chr8-143919811-G-A. GRCh37 (hg19) VCF-style: chr8-144993979-G-A.
Other names: c.10091C>T, p.Thr3364Met (NM_000445.5); c.9968C>T, p.Thr3323Met (NM_201378.4); c.9944C>T, p.Thr3315Met (NM_201379.3); c.10421C>T, p.Thr3474Met (NM_201380.4); c.9914C>T, p.Thr3305Met (NM_201381.3); c.10010C>T, p.Thr3337Met (NM_201382.4); c.10022C>T, p.Thr3341Met (NM_201383.3); short protein forms T3315M, T3337M, T3341M, T3305M, T3323M, T3364M, T3474M.
Identifiers: ClinVar variation 570082 (VCV000570082.16), dbSNP rs201699314, ClinGen allele CA4924790.

ClinVar aggregate classification (germline): Uncertain significance. Review status: criteria provided, multiple submitters, no conflicts (2 of 4 stars). 7 submissions from 7 submitters: Uncertain significance (7). Last evaluated 2026-06-01.

Conditions:
PLEC-related disorder. Also called: PLEC-related disorders; PLEC-related condition.
Inborn genetic diseases. Identifiers: MedGen C0950123, MeSH D030342.
Autosomal recessive limb-girdle muscular dystrophy type 2Q (LGMDR17). Also called: MUSCULAR DYSTROPHY, LIMB-GIRDLE, AUTOSOMAL RECESSIVE 17. Identifiers: Orphanet 254361, MedGen C3150989, MONDO:0013390, OMIM 613723.
Epidermolysis bullosa simplex 5B, with muscular dystrophy (EBS5B). Also called: EPIDERMOLYSIS BULLOSA SIMPLEX AND LIMB-GIRDLE MUSCULAR DYSTROPHY; Epidermolysis bullosa simplex with muscular dystrophy. Identifiers: Orphanet 257, MedGen C2931072, MONDO:0009181, OMIM 226670.
Epidermolysis bullosa simplex, Ogna type (EBS5A). Also called: Pidermolysis bullosa simplex 5A, Ogna type; EPIDERMOLYSIS BULLOSA SIMPLEX 5A, OGNA TYPE. Identifiers: Orphanet 79401, MedGen C0432317, MONDO:0007555, OMIM 131950.
Epidermolysis bullosa simplex 5C, with pyloric atresia (EBS5C). Also called: PLEC-Related Epidermolysis Bullosa with Pyloric Atresia; Epidermolysis bullosa simplex with pyloric atresia; PLEC1-Related Epidermolysis Bullosa with Pyloric Atresia. Identifiers: Orphanet 158684, MedGen C2677349, MONDO:0012807, OMIM 612138.
Epidermolysis bullosa simplex with nail dystrophy (EBS5D). Identifiers: MedGen C4225309, MONDO:0014661, OMIM 616487.

Allele frequency attached by ClinVar (database versions not stated): gnomAD exomes 0.00008 and 0.00014; ExAC 0.00010; gnomAD 0.00012 and 0.00014; TOPMed 0.00013; ESP Exome Variant Server 0.00024.
gnomAD v4.1: 236 of 1,612,904 alleles (0.015%); highest among the groups gnomAD compares: Non-Finnish European, 0.017%; no homozygotes.

Submissions (7):

CeGaT Center for Human Genetics Tuebingen
Classification: Uncertain significance. Last evaluated: 2026-06-01. Review status: criteria provided, single submitter. Criteria: CeGaT Center For Human Genetics Tuebingen Variant Classification Criteria Version 2. Collection method: clinical testing. Allele origin: germline. Affected: yes. Observed: 1 variant allele.
Comment: PLEC: PM2, BP4

PreventionGenetics, part of Exact Sciences
Classification: Uncertain significance for PLEC-related condition. Last evaluated: 2026-04-07. Review status: criteria provided, single submitter. Criteria: ACMG Guidelines, 2015. Collection method: clinical testing. Allele origin: germline.
Comment: The PLEC c.10091C>T variant is predicted to result in the amino acid substitution p.Thr3364Met. To our knowledge, this variant has not been reported in the literature. This variant is reported in 0.021% of alleles in individuals of African descent in gnomAD. At this time, the clinical significance of this variant is uncertain due to the absence of conclusive functional and genetic evidence.

Labcorp Genetics (formerly Invitae), Labcorp
Classification: Uncertain significance for Autosomal recessive limb-girdle muscular dystrophy type 2Q; Epidermolysis bullosa simplex, Ogna type; Epidermolysis bullosa simplex with nail dystrophy; Epidermolysis bullosa simplex 5C, with pyloric atresia; Epidermolysis bullosa simplex 5B, with muscular dystrophy. Last evaluated: 2025-10-02. Review status: criteria provided, single submitter. Criteria: Invitae Variant Classification Sherloc (09022015). Collection method: clinical testing. Allele origin: germline.
Comment: This sequence change replaces threonine, which is neutral and polar, with methionine, which is neutral and non-polar, at codon 3364 of the PLEC protein (p.Thr3364Met). This variant is present in population databases (rs201699314, gnomAD 0.02%). This variant has not been reported in the literature in individuals affected with PLEC-related conditions. ClinVar contains an entry for this variant (Variation ID: 570082). An algorithm developed to predict the effect of missense changes on protein structure and function (PolyPhen-2) suggests that this variant is likely to be disruptive. In summary, the available evidence is currently insufficient to determine the role of this variant in disease. Therefore, it has been classified as a Variant of Uncertain Significance.

Clinical Genetics Laboratory, Skane University Hospital Lund
Classification: Uncertain significance. Last evaluated: 2024-02-20. Review status: criteria provided, single submitter. Criteria: ACMG Guidelines, 2015. Collection method: clinical testing. Allele origin: germline. Affected: yes.

Ambry Genetics
Classification: Uncertain significance for Inborn genetic diseases. Last evaluated: 2023-01-23. Review status: criteria provided, single submitter. Criteria: Ambry Variant Classification Scheme 2023. Collection method: clinical testing. Allele origin: germline.

Revvity Omics, Revvity
Classification: Uncertain significance. Last evaluated: 2020-03-17. Review status: criteria provided, single submitter. Criteria: ACMG Guidelines, 2015. Collection method: clinical testing. Allele origin: germline.

Baylor Genetics
Classification: Uncertain significance for Autosomal recessive limb-girdle muscular dystrophy type 2Q. Last evaluated: 2018-01-24. Review status: criteria provided, single submitter. Criteria: ACMG Guidelines, 2015. Collection method: clinical testing. Allele origin: paternal. Affected: yes.
Comment: This variant was determined to be of uncertain significance according to ACMG Guidelines, 2015 [PMID:25741868].